The following is an entry in ClinVar:

ClinVar aggregate classification (germline): Benign (1 of 4 stars; one submission).

Submission:

CeGaT Center for Human Genetics Tuebingen
Classification: Benign. Last evaluated: 2026-08-01. Review status: criteria provided, single submitter. Criteria: CeGaT Center For Human Genetics Tuebingen Variant Classification Criteria Version 2. Collection method: clinical testing. Allele origin: germline. Affected: yes. Observed: 3 variant alleles.
Comment: OTUD7A: BS1, BS2

NM_001382637.1(OTUD7A):c.2068GCC[11] (p.Ala696_Thr697insAlaAlaAlaAla)

Gene: OTUD7A (OTU deubiquitinase 7A; minus strand). Cytogenetic location: 15q13.3.
Variant type: Microsatellite.
Coding change: c.2068GCC[11] on transcript NM_001382637.1 (MANE Select); 11 copies in a row of the 3-base unit GCC starting at c.2068; the reference has seven copies in a row; four copies, 12 bases duplicated.
Protein change: p.Ala696_Thr697insAlaAlaAlaAla.
Molecular consequence: inframe insertion.
Genome position (GRCh38, 1-based): chr15:31,484,008-31,484,019, GGCGGCGGCGGC duplicated on the plus strand (GCCGCCGCCGCC on the coding strand, the reverse complement: OTUD7A is on the minus strand); duplicating any 12 consecutive bases within chr15:31,484,008-31,484,028 gives the same sequence; the position shown is the placement nearest the transcript's 3' end. VCF-style (leftmost placement, unchanged base first): chr15-31484007-T-TGGCGGCGGCGGC. GRCh37 (hg19) VCF-style: chr15-31776210-T-TGGCGGCGGCGGC.
Other names: c.2047GCC[11], p.Ala689_Thr690insAlaAlaAlaAla (NM_130901.3).
Identifiers: ClinVar variation 3904778 (VCV003904778.10).